The following is an entry in ClinVar:

ClinVar aggregate classification (germline): Uncertain significance (1 of 4 stars; one submission).

Conditions:
Peroxisome biogenesis disorder 3A (Zellweger). Also called: PEROXISOMAL BIOGENESIS DISORDER 3A (ZELLWEGER); Peroxisome biogenesis disorder 3A. Identifiers: Orphanet 912, MedGen C3553929, MONDO:0013927, OMIM 614859.

Submission:

Labcorp Genetics (formerly Invitae), Labcorp
Classification: Uncertain significance for Peroxisome biogenesis disorder 3A (Zellweger). Last evaluated: 2021-12-02. Review status: criteria provided, single submitter. Criteria: Invitae Variant Classification Sherloc (09022015). Collection method: clinical testing. Allele origin: germline.
Comment: In summary, the available evidence is currently insufficient to determine the role of this variant in disease. Therefore, it has been classified as a Variant of Uncertain Significance. Algorithms developed to predict the effect of missense changes on protein structure and function (SIFT, PolyPhen-2, Align-GVGD) all suggest that this variant is likely to be disruptive. This variant has not been reported in the literature in individuals affected with PEX12-related conditions. This variant is not present in population databases (gnomAD no frequency). This sequence change replaces histidine, which is basic and polar, with leucine, which is neutral and non-polar, at codon 287 of the PEX12 protein (p.His287Leu).

NM_000286.3(PEX12):c.860A>T (p.His287Leu)

Gene: PEX12 (peroxisomal biogenesis factor 12; minus strand). Cytogenetic location: 17q12.
Variant type: single nucleotide variant.
Coding change: c.860A>T on transcript NM_000286.3 (MANE Select); coding-DNA position 860, A replaced by T.
Protein change: p.His287Leu; replaces histidine 287 with leucine.
Molecular consequence: missense variant.
Genome position (GRCh38, 1-based): chr17:35,576,002, T>A on the plus strand (A>T on the coding strand, the complement: PEX12 is on the minus strand). VCF-style: chr17-35576002-T-A. GRCh37 (hg19) VCF-style: chr17-33903021-T-A.
Other names: short protein forms H287L.
Identifiers: ClinVar variation 1518456 (VCV001518456.5), dbSNP rs2142229061, ClinGen allele CA399137223.
Genomic context (GRCh38, chr17:35,576,002, plus strand): 5'-CACAGTGGGCACACAGTCTTCATTTTGGGTAAGAGGGGAGAATCAGAGTTATAGTCTAGG[T>A]GTACAGGTGGTGGTGGAGTAGGCAGGGCAGTCAATGACTTGATGGTTTCTTGATTTTCAG-3'
Protein context (NP_000277.1, residues 277-297): TALPTPPPPV[His287Leu]LDYNSDSPLL